The following is an entry in ClinVar:

NM_004260.4(RECQL4):c.1553T>C (p.Leu518Pro)

Gene: RECQL4 (RecQ like helicase 4; minus strand). Cytogenetic location: 8q24.3.
Variant type: single nucleotide variant.
Coding change: c.1553T>C on transcript NM_004260.4 (MANE Select); coding-DNA position 1553, T replaced by C.
Protein change: p.Leu518Pro; replaces leucine 518 with proline.
Molecular consequence: missense variant.
Genome position (GRCh38, 1-based): chr8:144,515,003, A>G on the plus strand (T>C on the coding strand, the complement: RECQL4 is on the minus strand). VCF-style: chr8-144515003-A-G. GRCh37 (hg19) VCF-style: chr8-145740387-A-G.
Other names: c.1553T>C (NM_004260.3); short protein forms L518P.
Identifiers: ClinVar variation 1345201 (VCV001345201.7), dbSNP rs2130703525, ClinGen allele CA372683823.

ClinVar aggregate classification (germline): Conflicting classifications of pathogenicity. Review status: criteria provided, conflicting classifications (1 of 4 stars). 2 submissions from 2 submitters: Likely pathogenic (1); Uncertain significance (1). Last evaluated 2023-07-25.

Conditions:
Baller-Gerold syndrome (BGS). Also called: CRANIOSYNOSTOSIS WITH RADIAL DEFECTS. Identifiers: Orphanet 1225, MedGen C0265308, MONDO:0009039, OMIM 218600.
Ovarian cancer. Also called: OVARIAN CANCER, SOMATIC. Identifiers: Orphanet 213500, MedGen C1140680, MONDO:0008170, OMIM 167000.

Submissions (2):

Labcorp Genetics (formerly Invitae), Labcorp
Classification: Uncertain significance for Baller-Gerold syndrome. Last evaluated: 2023-07-25. Review status: criteria provided, single submitter. Criteria: Invitae Variant Classification Sherloc (09022015). Collection method: clinical testing. Allele origin: germline.
Comment: In summary, the available evidence is currently insufficient to determine the role of this variant in disease. Therefore, it has been classified as a Variant of Uncertain Significance. Advanced modeling of protein sequence and biophysical properties (such as structural, functional, and spatial information, amino acid conservation, physicochemical variation, residue mobility, and thermodynamic stability) performed at Invitae indicates that this missense variant is expected to disrupt RECQL4 protein function. ClinVar contains an entry for this variant (Variation ID: 1345201). This variant has not been reported in the literature in individuals affected with RECQL4-related conditions. This variant is not present in population databases (gnomAD no frequency). This sequence change replaces leucine, which is neutral and non-polar, with proline, which is neutral and non-polar, at codon 518 of the RECQL4 protein (p.Leu518Pro).

Laboratory of Molecular Epidemiology of Birth Defects, West China Second University Hospital, Sichuan University
Classification: Likely pathogenic for Ovarian cancer. Last evaluated: 2022-01-01. Review status: criteria provided, single submitter. Criteria: ACMG Guidelines, 2015. Collection method: clinical testing. Allele origin: germline. Affected: yes.